The following is an entry in ClinVar:

ClinVar aggregate classification (germline): Likely benign. Review status: criteria provided, multiple submitters, no conflicts (2 of 4 stars). 2 submissions from 2 submitters: Likely benign (2). Last evaluated 2026-07-01.

Conditions:
Pyruvate dehydrogenase E1-alpha deficiency (PDHAD). Also called: ATAXIA, INTERMITTENT, WITH PYRUVATE DEHYDROGENASE DEFICIENCY; ATAXIA WITH LACTIC ACIDOSIS I; ATAXIA, INTERMITTENT, WITH ABNORMAL PYRUVATE METABOLISM; Ataxia, intermittent, with pyruvate dehydrogenase, or decarboxylase, deficiency. Identifiers: Orphanet 79243, MedGen C1839413, MONDO:0010717, OMIM 312170.

Submissions (2):

CeGaT Center for Human Genetics Tuebingen
Classification: Likely benign. Last evaluated: 2026-07-01. Review status: criteria provided, single submitter. Criteria: CeGaT Center For Human Genetics Tuebingen Variant Classification Criteria Version 2. Collection method: clinical testing. Allele origin: germline. Affected: yes. Observed: 1 variant allele.
Comment: PDHA1: PM2:Supporting, BP4, BP7

Labcorp Genetics (formerly Invitae), Labcorp
Classification: Likely benign for Pyruvate dehydrogenase E1-alpha deficiency. Last evaluated: 2022-03-31. Review status: criteria provided, single submitter. Criteria: Invitae Variant Classification Sherloc (09022015). Collection method: clinical testing. Allele origin: germline.

NM_000284.4(PDHA1):c.960C>T (p.Leu320=)

Gene: PDHA1 (pyruvate dehydrogenase E1 subunit alpha 1; plus strand). Cytogenetic location: Xp22.12.
Variant type: single nucleotide variant.
Coding change: c.960C>T on transcript NM_000284.4 (MANE Select); coding-DNA position 960, C replaced by T.
Protein change: p.Leu320=; no amino-acid change (leucine 320 retained).
Molecular consequence: synonymous variant.
Genome position (GRCh38, 1-based): chrX:19,358,976, C>T. VCF-style: chrX-19358976-C-T. GRCh37 (hg19) VCF-style: chrX-19377094-C-T.
Other names: c.1074C>T, p.Leu358= (NM_001173454.2); c.981C>T, p.Leu327= (NM_001173455.2); c.867C>T, p.Leu289= (NM_001173456.2).
Identifiers: ClinVar variation 2119765 (VCV002119765.5), dbSNP rs2147187335, ClinGen allele CA515486347.